The following is an entry in ClinVar:

ClinVar aggregate classification (germline): Uncertain significance (1 of 4 stars; one submission).

Conditions:
Hereditary cancer-predisposing syndrome. Also called: Neoplastic Syndromes, Hereditary; Tumor predisposition; Hereditary Cancer Syndrome; Hereditary neoplastic syndrome. Identifiers: Orphanet 140162, MedGen C0027672, MeSH D009386, MONDO:0015356.

Submission:

Ambry Genetics
Classification: Uncertain significance for Hereditary cancer-predisposing syndrome. Last evaluated: 2026-02-09. Review status: criteria provided, single submitter. Criteria: Ambry Variant Classification Scheme 2023. Collection method: clinical testing. Allele origin: germline.
Comment: The p.V1027L variant (also known as c.3079G>T), located in coding exon 4 of the MSH6 gene, results from a G to T substitution at nucleotide position 3079. The valine at codon 1027 is replaced by leucine, an amino acid with highly similar properties. This amino acid position is not well conserved in available vertebrate species. In addition, this alteration is predicted to be tolerated by in silico analysis. Based on the available evidence, the clinical significance of this variant remains unclear.

NM_000179.3(MSH6):c.3079G>T (p.Val1027Leu)

Gene: MSH6 (mutS homolog 6; plus strand). Cytogenetic location: 2p16.3.
Variant type: single nucleotide variant.
Coding change: c.3079G>T on transcript NM_000179.3 (MANE Select); coding-DNA position 3079, G replaced by T.
Protein change: p.Val1027Leu; replaces valine 1027 with leucine.
Molecular consequence: missense variant. On other transcripts: non-coding transcript variant (5), intron variant (2).
Genome position (GRCh38, 1-based): chr2:47,801,062, G>T. VCF-style: chr2-47801062-G-T. GRCh37 (hg19) VCF-style: chr2-48028201-G-T.
Other names: c.2689G>T, p.Val897Leu (NM_001281492.2); c.2173G>T, p.Val725Leu (NM_001281493.2, NM_001281494.2, NM_001406811.1 and 6 more transcripts); c.3175G>T, p.Val1059Leu (NM_001406795.1, NM_001406802.1); c.3079G>T, p.Val1027Leu (NM_001406796.1, NM_001406798.1, NM_001406800.1 and 2 more transcripts); c.2782G>T, p.Val928Leu (NM_001406797.1, NM_001406801.1, NM_001406805.1 and 10 more transcripts); c.2554G>T, p.Val852Leu (NM_001406799.1, NM_001406806.1, NM_001406807.1); c.3001G>T, p.Val1001Leu (NM_001406804.1); c.3085G>T, p.Val1029Leu (NM_001406813.1); and 4 more; short protein forms V928L, V1027L, V1029L, V725L, V852L, V1001L, V1059L, V971L.
Identifiers: ClinVar variation 4825268 (VCV004825268.1).